The following is an entry in ClinVar:

NM_001814.6(CTSC):c.893G>A (p.Cys298Tyr)

Gene: CTSC (cathepsin C; minus strand). Cytogenetic location: 11q14.2.
Variant type: single nucleotide variant.
Coding change: c.893G>A on transcript NM_001814.6 (MANE Select); coding-DNA position 893, G replaced by A.
Protein change: p.Cys298Tyr; replaces cysteine 298 with tyrosine.
Molecular consequence: missense variant.
Genome position (GRCh38, 1-based): chr11:88,294,505, C>T on the plus strand (G>A on the coding strand, the complement: CTSC is on the minus strand). VCF-style: chr11-88294505-C-T. GRCh37 (hg19) VCF-style: chr11-88027673-C-T.
Other names: short protein forms C298Y.
Identifiers: ClinVar variation 851663 (VCV000851663.6), dbSNP rs1450551456, ClinGen allele CA382022336.

ClinVar aggregate classification (germline): Uncertain significance (1 of 4 stars; one submission).

Conditions:
Periodontitis, aggressive. Identifiers: MedGen C0031106, MONDO:0980757.
Haim-Munk syndrome (HMS). Also called: COCHIN JEWISH DISORDER; KERATOSIS PALMOPLANTARIS WITH PERIODONTOPATHIA AND ONYCHOGRYPOSIS. Identifiers: Orphanet 2342, MedGen C1855627, MONDO:0009491, OMIM 245010.
Papillon-Lefèvre syndrome (PALS). Also called: Papillon-Lefevre Disease; KERATOSIS PALMOPLANTARIS WITH PERIODONTOPATHIA. Identifiers: Orphanet 678, MedGen C0030360, MONDO:0009490, OMIM 245000.

Allele frequency attached by ClinVar (database versions not stated): gnomAD exomes 0.00001.
gnomAD v4.1: 14 of 1,614,132 alleles (0.00087%); highest among the groups gnomAD compares: Non-Finnish European, 0.0011%; no homozygotes.

Submission:

Labcorp Genetics (formerly Invitae), Labcorp
Classification: Uncertain significance for Haim-Munk syndrome; Periodontitis, aggressive; Papillon-Lefèvre syndrome. Last evaluated: 2025-03-31. Review status: criteria provided, single submitter. Criteria: Invitae Variant Classification Sherloc (09022015). Collection method: clinical testing. Allele origin: germline.
Comment: This sequence change replaces cysteine, which is neutral and slightly polar, with tyrosine, which is neutral and polar, at codon 298 of the CTSC protein (p.Cys298Tyr). This variant is present in population databases (no rsID available, gnomAD 0.0009%). This variant has not been reported in the literature in individuals affected with CTSC-related conditions. ClinVar contains an entry for this variant (Variation ID: 851663). Invitae Evidence Modeling of protein sequence and biophysical properties (such as structural, functional, and spatial information, amino acid conservation, physicochemical variation, residue mobility, and thermodynamic stability) indicates that this missense variant is expected to disrupt CTSC protein function with a positive predictive value of 80%. In summary, the available evidence is currently insufficient to determine the role of this variant in disease. Therefore, it has been classified as a Variant of Uncertain Significance.